The following is an entry in ClinVar:

ClinVar aggregate classification (germline): Uncertain significance (1 of 4 stars; one submission).

Conditions:
Hereditary cancer-predisposing syndrome. Also called: Hereditary neoplastic syndrome; Neoplastic Syndromes, Hereditary; Tumor predisposition; Hereditary Cancer Syndrome. Identifiers: Orphanet 140162, MedGen C0027672, MeSH D009386, MONDO:0015356.

Submission:

Ambry Genetics
Classification: Uncertain significance for Hereditary cancer-predisposing syndrome. Last evaluated: 2025-01-06. Review status: criteria provided, single submitter. Criteria: Ambry Variant Classification Scheme 2023. Collection method: clinical testing. Allele origin: germline.
Comment: The p.V530G variant (also known as c.1589T>G), located in coding exon 10 of the KIT gene, results from a T to G substitution at nucleotide position 1589. The valine at codon 530 is replaced by glycine, an amino acid with dissimilar properties. This amino acid position is conserved. In addition, this alteration is predicted to be tolerated by in silico analysis. Based on the available evidence, the clinical significance of this variant remains unclear.

NM_000222.3(KIT):c.1589T>G (p.Val530Gly)

Gene: KIT (KIT proto-oncogene, receptor tyrosine kinase; plus strand). Cytogenetic location: 4q12.
Variant type: single nucleotide variant.
Coding change: c.1589T>G on transcript NM_000222.3 (MANE Select); coding-DNA position 1589, T replaced by G.
Protein change: p.Val530Gly; replaces valine 530 with glycine.
Molecular consequence: missense variant.
Genome position (GRCh38, 1-based): chr4:54,727,266, T>G. VCF-style: chr4-54727266-T-G. GRCh37 (hg19) VCF-style: chr4-55593432-T-G.
Other names: c.1577T>G, p.Val526Gly (NM_001093772.2, NM_001385286.1); c.1592T>G, p.Val531Gly (NM_001385284.1, NM_001385290.1); c.1589T>G, p.Val530Gly (NM_001385285.1); c.1580T>G, p.Val527Gly (NM_001385288.1, NM_001385292.1); short protein forms V530G, V526G, V527G, V531G.
Identifiers: ClinVar variation 3864531 (VCV003864531.1).